The following is an entry in ClinVar:

ClinVar aggregate classification (germline): Benign (1 of 4 stars; one submission).

Allele frequency attached by ClinVar (database versions not stated): gnomAD 0.65439 and 0.65655; TOPMed 0.66146; 1000 Genomes Project 0.70767; 1000 Genomes Project 30x 0.70831.
gnomAD v4.1: 99,462 of 151,990 alleles (65%); highest among the groups gnomAD compares: East Asian, 85%; 33,282 homozygotes.

Submission:

GeneDx
Classification: Benign. Last evaluated: 2018-06-14. Review status: criteria provided, single submitter. Criteria: GeneDx Variant Classification (06012015). Collection method: clinical testing. Allele origin: germline. Affected: yes.
Comment: This variant is considered likely benign or benign based on one or more of the following criteria: it is a conservative change, it occurs at a poorly conserved position in the protein, it is predicted to be benign by multiple in silico algorithms, and/or has population frequency not consistent with disease.

NM_002291.3(LAMB1):c.5065-304G>A

Gene: LAMB1 (laminin subunit beta 1; minus strand). Cytogenetic location: 7q31.1.
Variant type: single nucleotide variant.
Coding change: c.5065-304G>A on transcript NM_002291.3 (MANE Select); 304 bases into the intron before coding-DNA position 5065, G replaced by A.
Molecular consequence: intron variant.
Genome position (GRCh38, 1-based): chr7:107,924,693, C>T on the plus strand (G>A on the coding strand, the complement: LAMB1 is on the minus strand). VCF-style: chr7-107924693-C-T. GRCh37 (hg19) VCF-style: chr7-107565138-C-T.
Identifiers: ClinVar variation 681226 (VCV000681226.1), dbSNP rs13646, ClinGen allele CA15492083.